The following is an entry in ClinVar:

ClinVar aggregate classification (germline): Uncertain significance. Review status: criteria provided, multiple submitters, no conflicts (2 of 4 stars). 2 submissions from 2 submitters: Uncertain significance (2). Last evaluated 2024-02-03.

Conditions:
Hereditary cancer-predisposing syndrome. Also called: Tumor predisposition; Hereditary Cancer Syndrome; Neoplastic Syndromes, Hereditary; Hereditary neoplastic syndrome. Identifiers: Orphanet 140162, MedGen C0027672, MeSH D009386, MONDO:0015356.

Submissions (2):

Labcorp Genetics (formerly Invitae), Labcorp
Classification: Uncertain significance. Last evaluated: 2024-02-03. Review status: criteria provided, single submitter. Criteria: Invitae Variant Classification Sherloc (09022015). Collection method: clinical testing. Allele origin: germline.
Comment: This sequence change replaces glycine, which is neutral and non-polar, with aspartic acid, which is acidic and polar, at codon 508 of the FH protein (p.Gly508Asp). This variant is not present in population databases (gnomAD no frequency). This variant has not been reported in the literature in individuals affected with FH-related conditions. ClinVar contains an entry for this variant (Variation ID: 2055886). Advanced modeling of protein sequence and biophysical properties (such as structural, functional, and spatial information, amino acid conservation, physicochemical variation, residue mobility, and thermodynamic stability) performed at Invitae indicates that this missense variant is expected to disrupt FH protein function with a positive predictive value of 95%. In summary, the available evidence is currently insufficient to determine the role of this variant in disease. Therefore, it has been classified as a Variant of Uncertain Significance.

Ambry Genetics
Classification: Uncertain significance for Hereditary cancer-predisposing syndrome. Last evaluated: 2023-05-23. Review status: criteria provided, single submitter. Criteria: Ambry Variant Classification Scheme 2023. Collection method: clinical testing. Allele origin: germline.
Comment: The p.G508D variant (also known as c.1523G>A), located in coding exon 10 of the FH gene, results from a G to A substitution at nucleotide position 1523. The glycine at codon 508 is replaced by aspartic acid, an amino acid with similar properties. This amino acid position is highly conserved in available vertebrate species. In addition, this alteration is predicted to be deleterious by in silico analysis. Since supporting evidence is limited at this time, the clinical significance of this alteration remains unclear.

NM_000143.4(FH):c.1523G>A (p.Gly508Asp)

Gene: FH (fumarate hydratase; minus strand). Cytogenetic location: 1q43.
Variant type: single nucleotide variant.
Coding change: c.1523G>A on transcript NM_000143.4 (MANE Select); coding-DNA position 1523, G replaced by A.
Protein change: p.Gly508Asp; replaces glycine 508 with aspartic acid.
Molecular consequence: missense variant.
Genome position (GRCh38, 1-based): chr1:241,497,838, C>T on the plus strand (G>A on the coding strand, the complement: FH is on the minus strand). VCF-style: chr1-241497838-C-T. GRCh37 (hg19) VCF-style: chr1-241661138-C-T.
Other names: short protein forms G508D.
Identifiers: ClinVar variation 2055886 (VCV002055886.6), dbSNP rs2147911178, ClinGen allele CA345449979.
Genomic context (GRCh38, chr1:241,497,838, plus strand): 5'-TGTTTTTTTAAATTTTATACATGTTTATTTTCATTATAAATTTATGTAAATCACTTTGGA[C>T]CCAGCATGTCCTTAGGTTTTACCCATTCGTCAAACTGCTCTGCTGTGAGATAGCCAAGTT-3'
Protein context (NP_000134.2, residues 498-510): DEWVKPKDML[Gly508Asp]PK